The following is an entry in ClinVar:

NM_005993.5(TBCD):c.2853-2A>G

Gene: TBCD (tubulin folding cofactor D). Cytogenetic location: 17q25.3.
Variant type: single nucleotide variant.
Coding change: c.2853-2A>G on transcript NM_005993.5 (MANE Select); the canonical splice acceptor site of the intron before coding-DNA position 2853, A replaced by G.
Molecular consequence: splice acceptor variant.
Genome position (GRCh38, 1-based): chr17:82,929,360, A>G. VCF-style: chr17-82929360-A-G. GRCh37 (hg19) VCF-style: chr17-80887236-A-G.
Other names: c.2772-2A>G (NM_001411102.1); c.2802-2A>G (NM_001411101.1).
Identifiers: ClinVar variation 2754847 (VCV002754847.3), dbSNP rs2510761349, ClinGen allele CA401634823.
Genomic context (GRCh38, chr17:82,929,360, plus strand): 5'-TGGCCCCGCAGCCATGGCGAGATCATTGGCAGCCCGGCCTTGTCTCACTCACTCTCTTGC[A>G]GGTCCGATGTGGCCTCCGTGAACTGGAGTGCACCTTCCCAGGCCTTCCCACGCATCACCC-3'

ClinVar aggregate classification (germline): Likely pathogenic (1 of 4 stars; one submission).

Allele frequency attached by ClinVar (database versions not stated): gnomAD exomes below 0.00001.
gnomAD v4.1: 1 of 1,612,232 alleles (0.000062%); highest among the groups gnomAD compares: African/African-American, 0.0013%; no homozygotes.

Submission:

Labcorp Genetics (formerly Invitae), Labcorp
Classification: Likely pathogenic. Last evaluated: 2023-08-24. Review status: criteria provided, single submitter. Criteria: Invitae Variant Classification Sherloc (09022015). Collection method: clinical testing. Allele origin: germline.
Comment: In summary, the currently available evidence indicates that the variant is pathogenic, but additional data are needed to prove that conclusively. Therefore, this variant has been classified as Likely Pathogenic. Algorithms developed to predict the effect of sequence changes on RNA splicing suggest that this variant may disrupt the consensus splice site. This variant has not been reported in the literature in individuals affected with TBCD-related conditions. This variant is not present in population databases (gnomAD no frequency). This sequence change affects an acceptor splice site in intron 31 of the TBCD gene. It is expected to disrupt RNA splicing. Variants that disrupt the donor or acceptor splice site typically lead to a loss of protein function (PMID: 16199547), and loss-of-function variants in TBCD are known to be pathogenic (PMID: 27666370, 27666374).

Literature cited by the submitters: PubMed 16199547; PubMed 27666370; PubMed 27666374.